The following is an entry in ClinVar:

NM_022455.5(NSD1):c.4948A>C (p.Asn1650His)

Gene: NSD1 (nuclear receptor binding SET domain protein 1; plus strand). Cytogenetic location: 5q35.3.
Variant type: single nucleotide variant.
Coding change: c.4948A>C on transcript NM_022455.5 (MANE Select); coding-DNA position 4948, A replaced by C.
Protein change: p.Asn1650His; replaces asparagine 1650 with histidine.
Molecular consequence: missense variant.
Genome position (GRCh38, 1-based): chr5:177,257,133, A>C. VCF-style: chr5-177257133-A-C. GRCh37 (hg19) VCF-style: chr5-176684134-A-C.
Other names: c.4948A>C, p.Asn1650His (NM_001409302.1, NM_001409303.1, NM_001409301.1); c.4528A>C, p.Asn1510His (NM_001409304.1); c.4195A>C, p.Asn1399His (NM_001409305.1); c.4186A>C, p.Asn1396His (NM_001409306.1, NM_001409307.1); c.4075A>C, p.Asn1359His (NM_001409308.1, NM_001409309.1, NM_172349.5 and 1 more transcripts); short protein forms N1396H, N1359H, N1510H, N1650H, N1399H.
Identifiers: ClinVar variation 3639893 (VCV003639893.2).

ClinVar aggregate classification (germline): Uncertain significance (1 of 4 stars; one submission).

Submission:

Labcorp Genetics (formerly Invitae), Labcorp
Classification: Uncertain significance. Last evaluated: 2024-10-28. Review status: criteria provided, single submitter. Criteria: Invitae Variant Classification Sherloc (09022015). Collection method: clinical testing. Allele origin: germline.
Comment: This sequence change replaces asparagine, which is neutral and polar, with histidine, which is basic and polar, at codon 1650 of the NSD1 protein (p.Asn1650His). This variant is present in population databases (rs772825447, gnomAD 0.009%). This variant has not been reported in the literature in individuals affected with NSD1-related conditions. Invitae Evidence Modeling of protein sequence and biophysical properties (such as structural, functional, and spatial information, amino acid conservation, physicochemical variation, residue mobility, and thermodynamic stability) indicates that this missense variant is expected to disrupt NSD1 protein function with a positive predictive value of 95%. In summary, the available evidence is currently insufficient to determine the role of this variant in disease. Therefore, it has been classified as a Variant of Uncertain Significance.